The following is an entry in ClinVar:

ClinVar aggregate classification (germline): Uncertain significance. Review status: criteria provided, multiple submitters, no conflicts (2 of 4 stars). 2 submissions from 2 submitters: Uncertain significance (2). Last evaluated 2024-07-30.

Conditions:
Inborn genetic diseases. Identifiers: MedGen C0950123, MeSH D030342.

Submissions (2):

Ambry Genetics
Classification: Uncertain significance for Inborn genetic diseases. Last evaluated: 2024-07-30. Review status: criteria provided, single submitter. Criteria: Ambry Variant Classification Scheme 2023. Collection method: clinical testing. Allele origin: germline.

Labcorp Genetics (formerly Invitae), Labcorp
Classification: Uncertain significance. Last evaluated: 2021-09-27. Review status: criteria provided, single submitter. Criteria: Invitae Variant Classification Sherloc (09022015). Collection method: clinical testing. Allele origin: germline.
Comment: In summary, the available evidence is currently insufficient to determine the role of this variant in disease. Therefore, it has been classified as a Variant of Uncertain Significance. Algorithms developed to predict the effect of missense changes on protein structure and function (SIFT, PolyPhen-2, Align-GVGD) all suggest that this variant is likely to be disruptive. This variant has not been reported in the literature in individuals affected with TMEM107-related conditions. This variant is not present in population databases (ExAC no frequency). This sequence change replaces isoleucine with asparagine at codon 23 of the TMEM107 protein (p.Ile23Asn). The isoleucine residue is highly conserved and there is a large physicochemical difference between isoleucine and asparagine.

NM_183065.4(TMEM107):c.68T>A (p.Ile23Asn)

Genes: TMEM107 (transmembrane protein 107; minus strand), LOC105371520 (uncharacterized LOC105371520; plus strand). Cytogenetic location: 17p13.1.
Variant type: single nucleotide variant.
Coding change: c.68T>A on transcript NM_183065.4 (MANE Select); coding-DNA position 68, T replaced by A.
Protein change: p.Ile23Asn; replaces isoleucine 23 with asparagine.
Molecular consequence: missense variant. On other transcripts: non-coding transcript variant (1).
Genome position (GRCh38, 1-based): chr17:8,176,219, A>T on the plus strand (T>A on the coding strand, the complement: TMEM107 is on the minus strand). VCF-style: chr17-8176219-A-T. GRCh37 (hg19) VCF-style: chr17-8079537-A-T.
Other names: c.68T>A (NM_032354.3); c.68T>A, p.Ile23Asn (NM_001351278.2, NM_001351279.2, NM_001351280.2 and 1 more transcripts); short protein forms I23N.
Identifiers: ClinVar variation 1493263 (VCV001493263.7), dbSNP rs2151451688, ClinGen allele CA397972296.